The following is an entry in ClinVar:

ClinVar aggregate classification (germline): Likely benign (1 of 4 stars; one submission).

Allele frequency attached by ClinVar (database versions not stated): 1000 Genomes Project 0.00020; gnomAD 0.00023; gnomAD exomes 0.00029; 1000 Genomes Project 30x 0.00031; TOPMed 0.00032; ExAC 0.00153.

Submission:

CeGaT Center for Human Genetics Tuebingen
Classification: Likely benign. Last evaluated: 2023-11-01. Review status: criteria provided, single submitter. Criteria: CeGaT Center For Human Genetics Tuebingen Variant Classification Criteria Version 2. Collection method: clinical testing. Allele origin: germline. Affected: yes. Observed: 1 variant allele.
Comment: CFAP54: BP4

NM_001306084.2(CFAP54):c.4302G>C (p.Met1434Ile)

Gene: CFAP54 (cilia and flagella associated protein 54; plus strand). Cytogenetic location: 12q23.1.
Variant type: single nucleotide variant.
Coding change: c.4302G>C on transcript NM_001306084.2 (MANE Select); coding-DNA position 4302, G replaced by C.
Protein change: p.Met1434Ile; replaces methionine 1434 with isoleucine.
Molecular consequence: missense variant.
Genome position (GRCh38, 1-based): chr12:96,630,637, G>C. VCF-style: chr12-96630637-G-C. GRCh37 (hg19) VCF-style: chr12-97024415-G-C.
Other names: c.4302G>C, p.Met1434Ile (NM_001367885.1); short protein forms M1434I.
Identifiers: ClinVar variation 2672515 (VCV002672515.23), dbSNP rs530120061, ClinGen allele CA6730027.